The following is an entry in ClinVar:

NM_006907.4(PYCR1):c.496C>T (p.Leu166=)

Gene: PYCR1 (pyrroline-5-carboxylate reductase 1; minus strand). Cytogenetic location: 17q25.3.
Variant type: single nucleotide variant.
Coding change: c.496C>T on transcript NM_006907.4 (MANE Select); coding-DNA position 496, C replaced by T.
Protein change: p.Leu166=; no amino-acid change (leucine 166 retained).
Molecular consequence: synonymous variant.
Genome position (GRCh38, 1-based): chr17:81,934,970, G>A on the plus strand (C>T on the coding strand, the complement: PYCR1 is on the minus strand). VCF-style: chr17-81934970-G-A. GRCh37 (hg19) VCF-style: chr17-79892846-G-A.
Other names: c.496C>T, p.Leu166= (NM_001282279.2, NM_001282280.2, NM_001330523.2 and 1 more transcripts); c.577C>T, p.Leu193= (NM_001282281.2).
Identifiers: ClinVar variation 515643 (VCV000515643.5), dbSNP rs752381854, ClinGen allele CA502426389.
Genomic context (GRCh38, chr17:81,934,970, plus strand): 5'-CCCCCGCAGTCCTTACGTAGGCGGGGCCGCTGCCACTGAGCCCCGTGACGGCATCAATCA[G>A]GTCCTCTTCCACCTCCGTGCAGAAGCCCACGCTGCTCAGCAGCTGCTCCATGAGCCTCCC-3'
Protein context (NP_008838.2, residues 156-176): VGFCTEVEED[Leu166=]IDAVTGLSGS

ClinVar aggregate classification (germline): Likely benign. Review status: criteria provided, multiple submitters, no conflicts (2 of 4 stars). 2 submissions from 2 submitters: Likely benign (2). Last evaluated 2023-12-19.

Allele frequency attached by ClinVar (database versions not stated): gnomAD 0.00001; TOPMed 0.00001.

Submissions (2):

Labcorp Genetics (formerly Invitae), Labcorp
Classification: Likely benign. Last evaluated: 2023-12-19. Review status: criteria provided, single submitter. Criteria: Invitae Variant Classification Sherloc (09022015). Collection method: clinical testing. Allele origin: germline.

GeneDx
Classification: Likely benign. Last evaluated: 2018-02-26. Review status: criteria provided, single submitter. Criteria: GeneDx Variant Classification (06012015). Collection method: clinical testing. Allele origin: germline. Affected: yes.
Comment: This variant is considered likely benign or benign based on one or more of the following criteria: it is a conservative change, it occurs at a poorly conserved position in the protein, it is predicted to be benign by multiple in silico algorithms, and/or has population frequency not consistent with disease.